The following is an entry in ClinVar:

NM_001130682.3(GUCY1A1):c.488dup (p.Leu163fs)

Gene: GUCY1A1 (guanylate cyclase 1 soluble subunit alpha 1; plus strand). Cytogenetic location: 4q32.1.
Variant type: Duplication.
Coding change: c.488dup on transcript NM_001130682.3 (MANE Select); coding-DNA position 488, one base duplicated (T; older notation c.488dupT).
Protein change: p.Leu163fs; shifts the reading frame from leucine 163.
Molecular consequence: frameshift variant. On other transcripts: 5 prime UTR variant (1), intron variant (1).
Genome position (GRCh38, 1-based): chr4:155,710,653, T duplicated; the last of 6 consecutive T bases (chr4:155,710,648-155,710,653); duplicating any one gives the same sequence. VCF-style (leftmost placement, unchanged base first): chr4-155710647-A-AT. GRCh37 (hg19) VCF-style: chr4-156631799-A-AT.
Other names: c.488dup, p.Leu163fs (NM_000856.6, NM_001130683.4, NM_001130684.3 and 12 more transcripts); c.-218dup (NM_001130685.3); c.377-396dup (NM_001379676.1); short protein forms L163fs.
Identifiers: ClinVar variation 65427 (VCV000065427.4), dbSNP rs587777928, ClinGen allele CA145493.

ClinVar aggregate classification (germline): Pathogenic (0 of 4 stars; one submission).

Conditions:
Myocardial infarction, susceptibility to, 1 (MCI1). Also called: Myocardial infarction 1. Identifiers: MedGen C1838021.

Submission:

Institut für Integrative und Experimentelle Genomik, Universität zu Lübeck
Classification: Pathogenic for Myocardial infarction 1. Last evaluated: 2013-09-15. Review status: no assertion criteria provided. Collection method: research. Allele origin: inherited. Affected: yes. Study: GERMIFS.
ClinVar note: Converted during submission from pathogenic to Pathogenic.

Literature cited by the submitters: PubMed 24213632.